The following is an entry in ClinVar:

NM_000245.4(MET):c.3936A>T (p.Leu1312Phe)

Gene: MET (MET proto-oncogene, receptor tyrosine kinase; plus strand). Cytogenetic location: 7q31.2.
Variant type: single nucleotide variant.
Coding change: c.3936A>T on transcript NM_000245.4 (MANE Select); coding-DNA position 3936, A replaced by T.
Protein change: p.Leu1312Phe; replaces leucine 1312 with phenylalanine.
Molecular consequence: missense variant.
Genome position (GRCh38, 1-based): chr7:116,795,887, A>T. VCF-style: chr7-116795887-A-T. GRCh37 (hg19) VCF-style: chr7-116435941-A-T.
Other names: c.3990A>T, p.Leu1330Phe (NM_001127500.3); c.2646A>T, p.Leu882Phe (NM_001324402.2); short protein forms L1312F, L882F, L1330F.
Identifiers: ClinVar variation 1736772 (VCV001736772.6), dbSNP rs1402503967, ClinGen allele CA369118039.

ClinVar aggregate classification (germline): Uncertain significance. Review status: criteria provided, multiple submitters, no conflicts (2 of 4 stars). 2 submissions from 2 submitters: Uncertain significance (2). Last evaluated 2024-11-19.

Conditions:
Renal cell carcinoma. Identifiers: Orphanet 217071, MedGen C0007134, MeSH D002292, MONDO:0005086, HP:0005584.
Hereditary cancer-predisposing syndrome. Also called: Neoplastic Syndromes, Hereditary; Tumor predisposition; Hereditary Cancer Syndrome; Hereditary neoplastic syndrome. Identifiers: Orphanet 140162, MedGen C0027672, MeSH D009386, MONDO:0015356.

Allele frequency attached by ClinVar (database versions not stated): gnomAD exomes below 0.00001; gnomAD 0.00001.
gnomAD v4.1: 2 of 1,614,046 alleles (0.00012%); highest among the groups gnomAD compares: Non-Finnish European, 0.00017%; no homozygotes.

Submissions (2):

Ambry Genetics
Classification: Uncertain significance for Hereditary cancer-predisposing syndrome. Last evaluated: 2024-11-19. Review status: criteria provided, single submitter. Criteria: Ambry Variant Classification Scheme 2023. Collection method: clinical testing. Allele origin: germline.
Comment: The p.L1330F variant (also known as c.3990A>T) is located in coding exon 20 of the MET gene. The leucine at codon 1330 is replaced by phenylalanine, an amino acid with highly similar properties. This change occurs in the first base pair of coding exon 20. This amino acid position is highly conserved in available vertebrate species. In addition, this alteration is predicted to be deleterious by in silico analysis. Based on the available evidence, the clinical significance of this variant remains unclear.

Labcorp Genetics (formerly Invitae), Labcorp
Classification: Uncertain significance for Renal cell carcinoma. Last evaluated: 2024-10-29. Review status: criteria provided, single submitter. Criteria: Invitae Variant Classification Sherloc (09022015). Collection method: clinical testing. Allele origin: germline.
Comment: This sequence change replaces leucine, which is neutral and non-polar, with phenylalanine, which is neutral and non-polar, at codon 1330 of the MET protein (p.Leu1330Phe). This variant is present in population databases (no rsID available, gnomAD 0.007%). This variant has not been reported in the literature in individuals affected with MET-related conditions. ClinVar contains an entry for this variant (Variation ID: 1736772). An algorithm developed to predict the effect of missense changes on protein structure and function (PolyPhen-2) suggests that this variant is likely to be disruptive. Algorithms developed to predict the effect of sequence changes on RNA splicing suggest that this variant may disrupt the consensus splice site. In summary, the available evidence is currently insufficient to determine the role of this variant in disease. Therefore, it has been classified as a Variant of Uncertain Significance.